The following is an entry in ClinVar:

NM_018834.6(MATR3):c.952C>A (p.Arg318=)

Gene: MATR3 (matrin 3; plus strand). Cytogenetic location: 5q31.2.
Variant type: single nucleotide variant.
Coding change: c.952C>A on transcript NM_018834.6 (MANE Select); coding-DNA position 952, C replaced by A.
Protein change: p.Arg318=; no amino-acid change (arginine 318 retained).
Molecular consequence: synonymous variant. On other transcripts: 5 prime UTR variant (6), intron variant (2).
Genome position (GRCh38, 1-based): chr5:139,314,714, C>A. VCF-style: chr5-139314714-C-A. GRCh37 (hg19) VCF-style: chr5-138650403-C-A.
Other names: c.952C>A, p.Arg318= (NM_001194954.2, NM_001194955.2, NM_001400441.1 and 16 more transcripts); c.88C>A, p.Arg30= (NM_001194956.2); c.-63C>A (NM_001282278.2, NM_001400460.1, NM_001400463.1 and 3 more transcripts); c.91C>A, p.Arg31= (NM_001400459.1); c.52C>A, p.Arg18= (NM_001400461.1); c.-40-983C>A (NM_001400462.1, NM_001400467.1).
Identifiers: ClinVar variation 1914756 (VCV001914756.5), dbSNP rs2546799442, ClinGen allele CA446604204.
Genomic context (GRCh38, chr5:139,314,714, plus strand): 5'-TACTAATTTACTTTGCTGCAGGAGTGGAGTCAACATATCAATGGAGCAAGTCACAGTCGT[C>A]GATGCCAGCTTCTTCTTGAAATGTAGGAGTTTGAAATACCTTTAAAACATCCTTATCGTG-3'
Protein context (NP_061322.2, residues 308-328): QHINGASHSR[Arg318=]CQLLLEIYPE

ClinVar aggregate classification (germline): Uncertain significance (1 of 4 stars; one submission).

Conditions:
Amyotrophic lateral sclerosis type 21. Also called: VOCAL CORD AND PHARYNGEAL DYSFUNCTION WITH DISTAL MYOPATHY; MYOPATHY, DISTAL, 2. Identifiers: Orphanet 600, Orphanet 803, MedGen C3807521, MONDO:0011632, OMIM 606070.

Submission:

Labcorp Genetics (formerly Invitae), Labcorp
Classification: Uncertain significance for Amyotrophic lateral sclerosis type 21. Last evaluated: 2022-10-13. Review status: criteria provided, single submitter. Criteria: Invitae Variant Classification Sherloc (09022015). Collection method: clinical testing. Allele origin: germline.
Comment: In summary, the available evidence is currently insufficient to determine the role of this variant in disease. Therefore, it has been classified as a Variant of Uncertain Significance. Algorithms developed to predict the effect of sequence changes on RNA splicing suggest that this variant may disrupt the consensus splice site. This variant has not been reported in the literature in individuals affected with MATR3-related conditions. This variant is not present in population databases (gnomAD no frequency). This sequence change affects codon 318 of the MATR3 mRNA. It is a 'silent' change, meaning that it does not change the encoded amino acid sequence of the MATR3 protein.